The following is an entry in ClinVar:

NM_000092.5(COL4A4):c.3514G>A (p.Gly1172Arg)

Gene: COL4A4 (collagen type IV alpha 4 chain; minus strand). Cytogenetic location: 2q36.3.
Variant type: single nucleotide variant.
Coding change: c.3514G>A on transcript NM_000092.5 (MANE Select); coding-DNA position 3514, G replaced by A.
Protein change: p.Gly1172Arg; replaces glycine 1172 with arginine.
Molecular consequence: missense variant.
Genome position (GRCh38, 1-based): chr2:227,033,473, C>T on the plus strand (G>A on the coding strand, the complement: COL4A4 is on the minus strand). VCF-style: chr2-227033473-C-T. GRCh37 (hg19) VCF-style: chr2-227898189-C-T.
Other names: short protein forms G1172R.
Identifiers: ClinVar variation 2634346 (VCV002634346.3), dbSNP rs1364773011, ClinGen allele CA350838120.

ClinVar aggregate classification (germline): Conflicting classifications of pathogenicity. Review status: criteria provided, conflicting classifications (1 of 4 stars). 3 submissions from 3 submitters: Likely pathogenic (2); Uncertain significance (1). Last evaluated 2025-06-11.

Conditions:
Alport syndrome. Also called: Hemorrhagic familial nephritis; Hemorrhagic hereditary nephritis; Congenital hereditary hematuria. Identifiers: Orphanet 63, MedGen C1567741, MONDO:0018965.
COL4A4-related disorder.

Allele frequency attached by ClinVar (database versions not stated): TOPMed below 0.00001; gnomAD 0.00001.
gnomAD v4.1: 5 of 1,613,028 alleles (0.00031%); highest among the groups gnomAD compares: Non-Finnish European, 0.00042%; no homozygotes.

Submissions (3):

Labcorp Genetics (formerly Invitae), Labcorp
Classification: Uncertain significance. Last evaluated: 2025-06-11. Review status: criteria provided, single submitter. Criteria: Invitae Variant Classification Sherloc (09022015). Collection method: clinical testing. Allele origin: germline.
Comment: This sequence change replaces glycine, which is neutral and non-polar, with arginine, which is basic and polar, at codon 1172 of the COL4A4 protein (p.Gly1172Arg). This variant is present in population databases (no rsID available, gnomAD 0.002%). This missense change has been observed in individual(s) with autosomal recessive Alport syndrome (PMID: 33772369). ClinVar contains an entry for this variant (Variation ID: 2634346). Invitae Evidence Modeling of protein sequence and biophysical properties (such as structural, functional, and spatial information, amino acid conservation, physicochemical variation, residue mobility, and thermodynamic stability) indicates that this missense variant is expected to disrupt COL4A4 protein function with a positive predictive value of 95%. In summary, the available evidence is currently insufficient to determine the role of this variant in disease. Therefore, it has been classified as a Variant of Uncertain Significance.

Natera, Inc.
Classification: Likely pathogenic for Alport syndrome. Last evaluated: 2025-03-06. Review status: criteria provided, single submitter. Criteria: Natera Variant Classification Schema (03/2026). Collection method: clinical testing. Allele origin: germline.
Comment: The c.3514G>A variant in COL4A4 is a missense variant predicted to cause substitution of glycine to arginine at amino acid 1172. This variant is rare in the general population with a frequency below the threshold expected for the associated phenotype(s). This variant has been identified in one or more affected individual with a phenotype highly consistent with the associated gene (PMID: 33772369). This variant is located in a functionally critical region of the protein. Computational prediction algorithms indicate this variant is likely to affect gene or protein function. Given the available evidence, this variant is classified as Likely Pathogenic.

PreventionGenetics, part of Exact Sciences
Classification: Likely pathogenic for COL4A4-related condition. Last evaluated: 2023-01-10. Review status: criteria provided, single submitter. Criteria: ACMG Guidelines, 2015. Collection method: clinical testing. Allele origin: germline.
Comment: The COL4A4 c.3514G>A variant is predicted to result in the amino acid substitution p.Gly1172Arg. This variant was reported in the compound heterozygous state with another COL4A4 variant in an individual with Alport syndrome (Patient 58, Zhang et al. 2021. PubMed ID: 33772369). The Gly1172Arg variant affects a Gly residue of the conserved triple helical domain (residues 65 – 1459) of the COL4A4 protein. The majority of pathogenic variants in COL4A4 substitute a glycine residue to a bulkier amino acid in the triple-helical domain (Hudson et al. 1993. PubMed ID: 8253711). This variant is reported in 0.0016% of alleles in individuals of European (Non-Finnish) descent in gnomAD. This variant is interpreted as likely pathogenic.

Literature cited by the submitters: PubMed 33772369 (cited by Labcorp Genetics (formerly Invitae), Labcorp and Natera, Inc.).